The following is an entry in ClinVar:

NM_006734.4(HIVEP2):c.5771A>G (p.Gln1924Arg)

Gene: HIVEP2 (HIVEP zinc finger 2; minus strand). Cytogenetic location: 6q24.2.
Variant type: single nucleotide variant.
Coding change: c.5771A>G on transcript NM_006734.4 (MANE Select); coding-DNA position 5771, A replaced by G.
Protein change: p.Gln1924Arg; replaces glutamine 1924 with arginine.
Molecular consequence: missense variant.
Genome position (GRCh38, 1-based): chr6:142,760,517, T>C on the plus strand (A>G on the coding strand, the complement: HIVEP2 is on the minus strand). VCF-style: chr6-142760517-T-C. GRCh37 (hg19) VCF-style: chr6-143081654-T-C.
Other names: short protein forms Q1924R.
Identifiers: ClinVar variation 3349524 (VCV003349524.1).

ClinVar aggregate classification (germline): Uncertain significance (0 of 4 stars; one submission).

Conditions:
HIVEP2-related disorder. Also called: HIVEP2-related condition.

Submission:

PreventionGenetics, part of Exact Sciences
Classification: Uncertain significance for HIVEP2-related condition. Last evaluated: 2024-03-30. Review status: no assertion criteria provided. Collection method: clinical testing. Allele origin: germline.
Comment: The HIVEP2 c.5771A>G variant is predicted to result in the amino acid substitution p.Gln1924Arg. To our knowledge, this variant has not been reported in the literature or in a large population database, indicating this variant is rare. At this time, the clinical significance of this variant is uncertain due to the absence of conclusive functional and genetic evidence.